The following is an entry in ClinVar:

ClinVar aggregate classification (germline): Uncertain significance (1 of 4 stars; one submission).

Allele frequency attached by ClinVar (database versions not stated): gnomAD exomes below 0.00001; TOPMed below 0.00001.

Submission:

Ambry Genetics
Classification: Uncertain significance. Last evaluated: 2023-11-16. Review status: criteria provided, single submitter. Criteria: Ambry Variant Classification Scheme 2023. Collection method: clinical testing. Allele origin: germline.
Comment: The p.A385T variant (also known as c.1153G>A), located in coding exon 13 of the NPAT gene, results from a G to A substitution at nucleotide position 1153. The alanine at codon 385 is replaced by threonine, an amino acid with similar properties. This amino acid position is conserved. In addition, this alteration is predicted to be tolerated by in silico analysis. Since supporting evidence is limited at this time, the clinical significance of this alteration remains unclear.

NM_002519.3(NPAT):c.1153G>A (p.Ala385Thr)

Gene: NPAT (nuclear protein, coactivator of histone transcription; minus strand). Cytogenetic location: 11q22.3.
Variant type: single nucleotide variant.
Coding change: c.1153G>A on transcript NM_002519.3 (MANE Select); coding-DNA position 1153, G replaced by A.
Protein change: p.Ala385Thr; replaces alanine 385 with threonine.
Molecular consequence: missense variant.
Genome position (GRCh38, 1-based): chr11:108,173,831, C>T on the plus strand (G>A on the coding strand, the complement: NPAT is on the minus strand). VCF-style: chr11-108173831-C-T. GRCh37 (hg19) VCF-style: chr11-108044558-C-T.
Other names: c.1153G>A, p.Ala385Thr (NM_001321307.1); short protein forms A385T.
Identifiers: ClinVar variation 1734714 (VCV001734714.2), dbSNP rs967711549, ClinGen allele CA228385364.